The following is an entry in ClinVar:

NM_032043.3(BRIP1):c.2265T>G (p.Ala755=)

Gene: BRIP1 (BRCA1 interacting DNA helicase 1; minus strand). Cytogenetic location: 17q23.2.
Variant type: single nucleotide variant.
Coding change: c.2265T>G on transcript NM_032043.3 (MANE Select); coding-DNA position 2265, T replaced by G.
Protein change: p.Ala755=; no amino-acid change (alanine 755 retained).
Molecular consequence: synonymous variant.
Genome position (GRCh38, 1-based): chr17:61,743,127, A>C on the plus strand (T>G on the coding strand, the complement: BRIP1 is on the minus strand). VCF-style: chr17-61743127-A-C. GRCh37 (hg19) VCF-style: chr17-59820488-A-C.
Identifiers: ClinVar variation 3379103 (VCV003379103.1).

ClinVar aggregate classification (germline): Benign (1 of 4 stars; one submission).

Conditions:
Familial cancer of breast. Also called: hereditary breast carcinoma; Hereditary breast cancer; BREAST CANCER, FAMILIAL. Identifiers: Orphanet 227535, MedGen C0346153, MONDO:0016419, OMIM 114480. Disease mechanism: loss of function.

gnomAD v4.1: 4 of 1,614,048 alleles (0.00025%); highest among the groups gnomAD compares: Non-Finnish European, 0.00034%; no homozygotes.

Submission:

Myriad Genetics, Inc.
Classification: Benign for Familial cancer of breast. Last evaluated: 2024-09-04. Review status: criteria provided, single submitter. Criteria: Myriad Autosomal Dominant, Autosomal Recessive and X-Linked Classification Criteria (2023). Collection method: clinical testing. Allele origin: unknown.
Comment: This variant is considered benign. This variant is a silent/synonymous amino acid change and it is not expected to impact splicing.